The following is an entry in ClinVar:

ClinVar aggregate classification (germline): Likely pathogenic (1 of 4 stars; one submission).

Submission:

Labcorp Genetics (formerly Invitae), Labcorp
Classification: Likely pathogenic. Last evaluated: 2025-04-01. Review status: criteria provided, single submitter. Criteria: Invitae Variant Classification Sherloc (09022015). Collection method: clinical testing. Allele origin: germline.
Comment: This sequence change affects an acceptor splice site in intron 13 of the ATF6 gene. It is expected to disrupt RNA splicing. Variants that disrupt the donor or acceptor splice site typically lead to a loss of protein function (PMID: 16199547), and loss-of-function variants in ATF6 are known to be pathogenic (PMID: 26029869, 26063662, 26070061). This variant is not present in population databases (gnomAD no frequency). This variant has not been reported in the literature in individuals affected with ATF6-related conditions. Algorithms developed to predict the effect of sequence changes on RNA splicing suggest that this variant may disrupt the consensus splice site. In summary, the currently available evidence indicates that the variant is pathogenic, but additional data are needed to prove that conclusively. Therefore, this variant has been classified as Likely Pathogenic.

Literature cited by the submitters: PubMed 16199547; PubMed 26029869; PubMed 26063662; PubMed 26070061.

NM_007348.4(ATF6):c.1605-1G>T

Gene: ATF6 (activating transcription factor 6; plus strand). Cytogenetic location: 1q23.3.
Variant type: single nucleotide variant.
Coding change: c.1605-1G>T on transcript NM_007348.4 (MANE Select); the canonical splice acceptor site of the intron before coding-DNA position 1605, G replaced by T.
Molecular consequence: splice acceptor variant. On other transcripts: intron variant (1).
Genome position (GRCh38, 1-based): chr1:161,863,197, G>T. VCF-style: chr1-161863197-G-T. GRCh37 (hg19) VCF-style: chr1-161832987-G-T.
Other names: c.1662-1G>T (NM_001437597.1); c.1605-4G>T (NM_001410890.1).
Identifiers: ClinVar variation 4716536 (VCV004716536.1).